The following is an entry in ClinVar:

NM_015046.7(SETX):c.1942_1944del (p.Glu648del)

Gene: SETX (senataxin; minus strand). Cytogenetic location: 9q34.13.
Variant type: Deletion.
Coding change: c.1942_1944del on transcript NM_015046.7 (MANE Select); coding-DNA positions 1942 to 1944, 3 bases deleted (GAA; older notation c.1942_1944delGAA).
Protein change: p.Glu648del; deletes glutamic acid 648.
Molecular consequence: inframe deletion.
Genome position (GRCh38, 1-based): chr9:132,329,654-132,329,656, TTC deleted on the plus strand (GAA on the coding strand, the reverse complement: SETX is on the minus strand); deleting any 3 consecutive bases within chr9:132,329,654-132,329,658 gives the same sequence; the c. name uses the placement nearest the transcript's 3' end. VCF-style (leftmost placement, unchanged base first): chr9-132329653-GTTC-G. GRCh37 (hg19) VCF-style: chr9-135205040-GTTC-G.
Other names: c.1942_1944del, p.Glu648del (NM_001351527.2, NM_001351528.2); c.1942_1944delGAA (NM_015046.5); short protein forms E648del.
Identifiers: ClinVar variation 2178131 (VCV002178131.5), dbSNP rs1246814369, ClinGen allele CA860624785.
Genomic context (GRCh38, chr9:132,329,653, plus strand): 5'-TATTGTCACCTTCTATAGTGTTATCTGCTTTGATCAATACACTGTCTTGCACTTTCATTG[GTTC>G]TTTAGAAAATGTTGGGCTGGAAGCTTCCAAACAATGCATATCTTTTCTAGACGTCTTCCC-3'

ClinVar aggregate classification (germline): Uncertain significance. Review status: criteria provided, multiple submitters, no conflicts (2 of 4 stars). 2 submissions from 2 submitters: Uncertain significance (2). Last evaluated 2026-07-26.

Conditions:
Amyotrophic lateral sclerosis type 4 (ALS4). Also called: AMYOTROPHIC LATERAL SCLEROSIS 4, JUVENILE; NEURONOPATHY, DISTAL HEREDITARY MOTOR, WITH PYRAMIDAL FEATURES. Identifiers: Orphanet 357043, MedGen C1865409, MONDO:0011223, OMIM 602433.
Spinocerebellar ataxia, autosomal recessive, with axonal neuropathy 2 (SCAN2). Also called: Ataxia-ocular apraxia-2; Ataxia with Oculomotor Apraxia; Ataxia with Oculomotor Apraxia Type 2; ATAXIA-OCULOMOTOR APRAXIA 2. Identifiers: Orphanet 64753, MedGen C1853761, MONDO:0018996, OMIM 606002.
SETX-related disorder. Also called: SETX-related disorders; SETX-related condition. Identifiers: MedGen CN239403.

Submissions (2):

PreventionGenetics, part of Exact Sciences
Classification: Uncertain significance for SETX-related condition. Last evaluated: 2026-07-26. Review status: criteria provided, single submitter. Criteria: ACMG Guidelines, 2015. Collection method: clinical testing. Allele origin: germline.
Comment: The SETX c.1942_1944delGAA variant is predicted to result in an in-frame deletion (p.Glu648del). To our knowledge, this variant has not been reported in the literature or in a large population database (gnomAD), indicating this variant is rare. At this time, the clinical significance of this variant is uncertain due to the absence of conclusive functional and genetic evidence.

Labcorp Genetics (formerly Invitae), Labcorp
Classification: Uncertain significance for Amyotrophic lateral sclerosis type 4; Spinocerebellar ataxia, autosomal recessive, with axonal neuropathy 2. Last evaluated: 2025-05-26. Review status: criteria provided, single submitter. Criteria: Invitae Variant Classification Sherloc (09022015). Collection method: clinical testing. Allele origin: germline.
Comment: This variant, c.1942_1944del, results in the deletion of 1 amino acid(s) of the SETX protein (p.Glu648del), but otherwise preserves the integrity of the reading frame. This variant is not present in population databases (gnomAD no frequency). This variant has not been reported in the literature in individuals affected with SETX-related conditions. ClinVar contains an entry for this variant (Variation ID: 2178131). Experimental studies and prediction algorithms are not available or were not evaluated, and the functional significance of this variant is currently unknown. In summary, the available evidence is currently insufficient to determine the role of this variant in disease. Therefore, it has been classified as a Variant of Uncertain Significance.